The following is an entry in ClinVar:

NM_001376.5(DYNC1H1):c.11549C>A (p.Thr3850Asn)

Gene: DYNC1H1 (dynein cytoplasmic 1 heavy chain 1; plus strand). Cytogenetic location: 14q32.31.
Variant type: single nucleotide variant.
Coding change: c.11549C>A on transcript NM_001376.5 (MANE Select); coding-DNA position 11549, C replaced by A.
Protein change: p.Thr3850Asn; replaces threonine 3850 with asparagine.
Molecular consequence: missense variant.
Genome position (GRCh38, 1-based): chr14:102,039,500, C>A. VCF-style: chr14-102039500-C-A. GRCh37 (hg19) VCF-style: chr14-102505837-C-A.
Other names: short protein forms T3850N.
Identifiers: ClinVar variation 2413414 (VCV002413414.5), dbSNP rs747944264, ClinGen allele CA7353639.

ClinVar aggregate classification (germline): Uncertain significance (1 of 4 stars; one submission).

Conditions:
Charcot-Marie-Tooth disease axonal type 2O. Also called: CHARCOT-MARIE-TOOTH NEUROPATHY, AXONAL, TYPE 2O; CHARCOT-MARIE-TOOTH DISEASE, AXONAL, AUTOSOMAL DOMINANT, TYPE 2O; Charcot-Marie-Tooth Neuropathy Type 2O; Charcot-Marie-Tooth disease, axonal, type 20. Identifiers: Orphanet 284232, MedGen C3280220, MONDO:0013644, OMIM 614228.

Allele frequency attached by ClinVar (database versions not stated): ExAC 0.00001; gnomAD 0.00001; TOPMed 0.00001.
gnomAD v4.1: 2 of 1,614,132 alleles (0.00012%); highest among the groups gnomAD compares: Non-Finnish European, 0.00017%; no homozygotes.

Submission:

Labcorp Genetics (formerly Invitae), Labcorp
Classification: Uncertain significance for Charcot-Marie-Tooth disease axonal type 2O. Last evaluated: 2024-10-24. Review status: criteria provided, single submitter. Criteria: Invitae Variant Classification Sherloc (09022015). Collection method: clinical testing. Allele origin: germline.
Comment: This sequence change replaces threonine, which is neutral and polar, with asparagine, which is neutral and polar, at codon 3850 of the DYNC1H1 protein (p.Thr3850Asn). This variant is not present in population databases (gnomAD no frequency). This variant has not been reported in the literature in individuals affected with DYNC1H1-related conditions. ClinVar contains an entry for this variant (Variation ID: 2413414). Invitae Evidence Modeling of protein sequence and biophysical properties (such as structural, functional, and spatial information, amino acid conservation, physicochemical variation, residue mobility, and thermodynamic stability) indicates that this missense variant is not expected to disrupt DYNC1H1 protein function with a negative predictive value of 95%. In summary, the available evidence is currently insufficient to determine the role of this variant in disease. Therefore, it has been classified as a Variant of Uncertain Significance.